The following is an entry in ClinVar:

ClinVar aggregate classification (germline): Uncertain significance (1 of 4 stars; one submission).

Allele frequency attached by ClinVar (database versions not stated): ExAC 0.00001; gnomAD 0.00001; gnomAD exomes 0.00001; TOPMed 0.00001.
gnomAD v4.1: 6 of 1,613,582 alleles (0.00037%); highest among the groups gnomAD compares: East Asian, 0.013%; no homozygotes.

Submission:

Labcorp Genetics (formerly Invitae), Labcorp
Classification: Uncertain significance. Last evaluated: 2023-04-17. Review status: criteria provided, single submitter. Criteria: Invitae Variant Classification Sherloc (09022015). Collection method: clinical testing. Allele origin: germline.
Comment: This variant is present in population databases (rs766655410, gnomAD 0.01%). This sequence change replaces leucine, which is neutral and non-polar, with phenylalanine, which is neutral and non-polar, at codon 1875 of the RAI1 protein (p.Leu1875Phe). This variant has not been reported in the literature in individuals affected with RAI1-related conditions. Advanced modeling of protein sequence and biophysical properties (such as structural, functional, and spatial information, amino acid conservation, physicochemical variation, residue mobility, and thermodynamic stability) performed at Invitae indicates that this missense variant is not expected to disrupt RAI1 protein function. In summary, the available evidence is currently insufficient to determine the role of this variant in disease. Therefore, it has been classified as a Variant of Uncertain Significance.

NM_030665.4(RAI1):c.5623C>T (p.Leu1875Phe)

Gene: RAI1 (retinoic acid induced 1; plus strand). Cytogenetic location: 17p11.2.
Variant type: single nucleotide variant.
Coding change: c.5623C>T on transcript NM_030665.4 (MANE Select); coding-DNA position 5623, C replaced by T.
Protein change: p.Leu1875Phe; replaces leucine 1875 with phenylalanine.
Molecular consequence: missense variant.
Genome position (GRCh38, 1-based): chr17:17,803,813, C>T. VCF-style: chr17-17803813-C-T. GRCh37 (hg19) VCF-style: chr17-17707127-C-T.
Other names: short protein forms L1875F.
Identifiers: ClinVar variation 2892171 (VCV002892171.3), dbSNP rs766655410, ClinGen allele CA8419226.